The following is an entry in ClinVar:

ClinVar aggregate classification (germline): Likely benign. Review status: criteria provided, multiple submitters, no conflicts (2 of 4 stars). 3 submissions from 3 submitters: Likely benign (2). 1 of the submissions does not count toward it. Last evaluated 2025-11-01.

Conditions:
DNAH2-related disorder. Also called: DNAH2-related condition.

Allele frequency attached by ClinVar (database versions not stated): 1000 Genomes Project 30x 0.00297; 1000 Genomes Project 0.00300; ExAC 0.00422; TOPMed 0.00451; gnomAD 0.00459; ESP Exome Variant Server 0.00461; gnomAD exomes 0.00548.
gnomAD v4.1: 8,701 of 1,613,606 alleles (0.54%); highest among the groups gnomAD compares: Middle Eastern, 0.96%; 29 homozygotes.

Submissions (3):

CeGaT Center for Human Genetics Tuebingen
Classification: Likely benign. Last evaluated: 2025-11-01. Review status: criteria provided, single submitter. Criteria: CeGaT Center For Human Genetics Tuebingen Variant Classification Criteria Version 2. Collection method: clinical testing. Allele origin: germline. Affected: yes. Observed: 3 variant alleles.
Comment: DNAH2: BP4, BP7, BS2

Blueprint Genetics
Classification: Likely benign. Last evaluated: 2024-11-27. Review status: criteria provided, single submitter. Criteria: ACMG Guidelines, 2015. Collection method: clinical testing. Allele origin: germline.

PreventionGenetics, part of Exact Sciences
Classification: Likely benign for DNAH2-related condition. Last evaluated: 2019-02-21. Review status: no assertion criteria provided. Collection method: clinical testing. Allele origin: germline. Not counted in ClinVar's aggregate classification.
Comment: This variant is classified as likely benign based on ACMG/AMP sequence variant interpretation guidelines (Richards et al. 2015 PMID: 25741868, with internal and published modifications).

NM_020877.5(DNAH2):c.7758C>T (p.Asn2586=)

Gene: DNAH2 (dynein axonemal heavy chain 2; plus strand). Cytogenetic location: 17p13.1.
Variant type: single nucleotide variant.
Coding change: c.7758C>T on transcript NM_020877.5 (MANE Select); coding-DNA position 7758, C replaced by T.
Protein change: p.Asn2586=; no amino-acid change (asparagine 2586 retained).
Molecular consequence: synonymous variant.
Genome position (GRCh38, 1-based): chr17:7,796,547, C>T. VCF-style: chr17-7796547-C-T. GRCh37 (hg19) VCF-style: chr17-7699865-C-T.
Other names: c.7758C>T (NM_020877.3).
Identifiers: ClinVar variation 2647381 (VCV002647381.26), dbSNP rs150114403, ClinGen allele CA8358180.
Genomic context (GRCh38, chr17:7,796,547, plus strand): 5'-CGGCACCATGATCAATCAGAAGCTTCAGGACTTTGAGGAAGAGGTGAAGCCCATTGGGAA[C>T]GTGGTGACAGAGGCCACCCTGGACATGTACAACACCGTGGTACAGCGCTTCCTGCCCACG-3'
Protein context (NP_065928.2, residues 2576-2596): DFEEEVKPIG[Asn2586=]VVTEATLDMY